The following is an entry in ClinVar:

ClinVar aggregate classification (germline): Uncertain significance (1 of 4 stars; one submission).

Conditions:
DYNC2H1-related disorder. Also called: DYNC2H1-related condition; DYNC2H1-related disorders. Identifiers: MedGen CN378770.

gnomAD v4.1: 6 of 1,612,812 alleles (0.00037%); highest among the groups gnomAD compares: Non-Finnish European, 0.000085%; no homozygotes.

Submission:

PreventionGenetics, part of Exact Sciences
Classification: Uncertain significance for DYNC2H1-related condition. Last evaluated: 2026-03-09. Review status: criteria provided, single submitter. Criteria: ACMG Guidelines, 2015. Collection method: clinical testing. Allele origin: germline.
Comment: The DYNC2H1 c.12572G>T variant is predicted to result in the amino acid substitution p.Arg4191Leu. To our knowledge, this variant has not been reported in the literature. This variant is reported in 0.020% of alleles in individuals of Ashkenazi Jewish descent in gnomAD. Of note a different variant impacting the same amino acid (p.Arg4191Ser) has been documented in the compound heterozygous state in fetuses from the same family with short-rib polydactyly syndrome (Zhen et al. 2019. PubMed ID: 30375052). At this time, the clinical significance of the c.12572G>T (p.Arg4191Leu) variant is uncertain due to the absence of conclusive functional and genetic evidence.

NM_001377.3(DYNC2H1):c.12551G>T (p.Arg4184Leu)

Gene: DYNC2H1 (dynein cytoplasmic 2 heavy chain 1; plus strand). Cytogenetic location: 11q22.3.
Variant type: single nucleotide variant.
Coding change: c.12551G>T on transcript NM_001377.3 (MANE Select); coding-DNA position 12551, G replaced by T.
Protein change: p.Arg4184Leu; replaces arginine 4184 with leucine.
Molecular consequence: missense variant.
Genome position (GRCh38, 1-based): chr11:103,455,280, G>T. VCF-style: chr11-103455280-G-T. GRCh37 (hg19) VCF-style: chr11-103326008-G-T.
Other names: c.12572G>T, p.Arg4191Leu (NM_001080463.2); short protein forms R4184L, R4191L.
Identifiers: ClinVar variation 4984033 (VCV004984033.1).